The following is an entry in ClinVar:

ClinVar aggregate classification (germline): Uncertain significance (1 of 4 stars; one submission).

Submission:

GeneDx
Classification: Uncertain significance. Last evaluated: 2025-07-17. Review status: criteria provided, single submitter. Criteria: GeneDx Variant Classification Process June 2021. Collection method: clinical testing. Allele origin: germline. Affected: yes.
Comment: Not observed at significant frequency in large population cohorts (gnomAD); In silico analysis supports that this missense variant has a deleterious effect on protein structure/function; Has not been previously published as pathogenic or benign to our knowledge

NM_001385012.1(NBEA):c.281C>A (p.Thr94Lys)

Gene: NBEA (neurobeachin; plus strand). Cytogenetic location: 13q13.3.
Variant type: single nucleotide variant.
Coding change: c.281C>A on transcript NM_001385012.1 (MANE Select); coding-DNA position 281, C replaced by A.
Protein change: p.Thr94Lys; replaces threonine 94 with lysine.
Molecular consequence: missense variant.
Genome position (GRCh38, 1-based): chr13:34,943,101, C>A. VCF-style: chr13-34943101-C-A. GRCh37 (hg19) VCF-style: chr13-35517238-C-A.
Other names: c.281C>A, p.Thr94Lys (NM_001379245.1, NM_015678.5); short protein forms T94K.
Identifiers: ClinVar variation 4686551 (VCV004686551.1).
Genomic context (GRCh38, chr13:34,943,101, plus strand): 5'-TCGCAGTGTTGATTGGACTCATACAGGTCGGAGAGGTCAGCAACAGGGACATCGTGGAGA[C>A]GGTGCTCAACCTGGTAAGGAAAAGGCGTGCTCTCAATCTGCTTCCCCAGTCCCCACATAC-3'
Protein context (NP_001371941.1, residues 84-104): GEVSNRDIVE[Thr94Lys]VLNLLVGGEF